The following is an entry in ClinVar:

ClinVar aggregate classification (germline): Uncertain significance. Review status: criteria provided, multiple submitters, no conflicts (2 of 4 stars). 5 submissions from 5 submitters: Uncertain significance (5). Last evaluated 2026-02-26.

Conditions:
NPHP1-related disorder. Also called: NPHP1-related disorders; NPHP1-related condition.
Nephronophthisis. Also called: Juvenile Nephronophthisis. Identifiers: Orphanet 655, MedGen C0687120, MONDO:0019005, HP:0000090.
Inborn genetic diseases. Identifiers: MedGen C0950123, MeSH D030342.
Senior-Loken syndrome 1 (SLSN1). Also called: JUVENILE NEPHRONOPHTHISIS WITH LEBER AMAUROSIS. Identifiers: Orphanet 3156, MedGen C4551559, MONDO:0009962, OMIM 266900.
Joubert syndrome with renal defect. Also called: JOUBERT SYNDROME 4. Identifiers: Orphanet 220497, MedGen C1846790, MONDO:0012308, OMIM 609583.
Nephronophthisis 1 (NPHP1). Also called: Nephronophthisis familial juvenile. Identifiers: Orphanet 655, Orphanet 93592, MedGen C1855681, MONDO:0009728, OMIM 256100.

Allele frequency attached by ClinVar (database versions not stated): gnomAD exomes 0.00001; TOPMed 0.00006; gnomAD 0.00007 and 0.00009.
gnomAD v4.1: 21 of 1,613,858 alleles (0.0013%); highest among the groups gnomAD compares: African/African-American, 0.027%; no homozygotes.

Submissions (5):

PreventionGenetics, part of Exact Sciences
Classification: Uncertain significance for NPHP1-related condition. Last evaluated: 2026-02-26. Review status: criteria provided, single submitter. Criteria: ACMG Guidelines, 2015. Collection method: clinical testing. Allele origin: germline.
Comment: The NPHP1 c.61A>G variant is predicted to result in the amino acid substitution p.Lys21Glu. To our knowledge, this variant has not been reported in the literature. This variant is reported in 0.020% of alleles in individuals of African descent in gnomAD. At this time, the clinical significance of this variant is uncertain due to the absence of conclusive functional and genetic evidence.

Ambry Genetics
Classification: Uncertain significance for Inborn genetic diseases. Last evaluated: 2024-08-28. Review status: criteria provided, single submitter. Criteria: Ambry Variant Classification Scheme 2023. Collection method: clinical testing. Allele origin: germline.

Labcorp Genetics (formerly Invitae), Labcorp
Classification: Uncertain significance for Nephronophthisis. Last evaluated: 2022-05-04. Review status: criteria provided, single submitter. Criteria: Invitae Variant Classification Sherloc (09022015). Collection method: clinical testing. Allele origin: germline.
Comment: This sequence change replaces lysine, which is basic and polar, with glutamic acid, which is acidic and polar, at codon 21 of the NPHP1 protein (p.Lys21Glu). This variant is present in population databases (no rsID available, gnomAD 0.03%). This variant has not been reported in the literature in individuals affected with NPHP1-related conditions. ClinVar contains an entry for this variant (Variation ID: 499231). Algorithms developed to predict the effect of missense changes on protein structure and function are either unavailable or do not agree on the potential impact of this missense change (SIFT: "Tolerated"; PolyPhen-2: "Possibly Damaging"; Align-GVGD: "Class C0"). In summary, the available evidence is currently insufficient to determine the role of this variant in disease. Therefore, it has been classified as a Variant of Uncertain Significance.

Fulgent Genetics
Classification: Uncertain significance for Nephronophthisis 1; Senior-Loken syndrome 1; Joubert syndrome with renal defect. Last evaluated: 2021-09-14. Review status: criteria provided, single submitter. Criteria: ACMG Guidelines, 2015. Collection method: clinical testing. Allele origin: unknown.

Eurofins Ntd Llc (ga)
Classification: Uncertain significance. Last evaluated: 2016-12-12. Review status: criteria provided, single submitter. Criteria: EGL Classification Definitions 2015. Collection method: clinical testing. Allele origin: germline. Observed: 2 variant alleles, 2 heterozygotes.

NM_001128178.3(NPHP1):c.61A>G (p.Lys21Glu)

Gene: NPHP1 (nephrocystin 1; minus strand). Cytogenetic location: 2q13.
Variant type: single nucleotide variant.
Coding change: c.61A>G on transcript NM_001128178.3 (MANE Select); coding-DNA position 61, A replaced by G.
Protein change: p.Lys21Glu; replaces lysine 21 with glutamic acid.
Molecular consequence: missense variant.
Genome position (GRCh38, 1-based): chr2:110,204,908, T>C on the plus strand (A>G on the coding strand, the complement: NPHP1 is on the minus strand). VCF-style: chr2-110204908-T-C. GRCh37 (hg19) VCF-style: chr2-110962485-T-C.
Other names: c.61A>G, p.Lys21Glu (NM_000272.5, NM_001128179.3, NM_001374256.1 and 2 more transcripts); short protein forms K21E.
Identifiers: ClinVar variation 499231 (VCV000499231.15), dbSNP rs1033790263, ClinGen allele CA53546446.